The following is an entry in ClinVar:

NM_005518.4(HMGCS2):c.*792G>A

Gene: HMGCS2 (3-hydroxy-3-methylglutaryl-CoA synthase 2; minus strand). Cytogenetic location: 1p12.
Variant type: single nucleotide variant.
Coding change: c.*792G>A on transcript NM_005518.4 (MANE Select); 792 bases downstream of the stop codon, G replaced by A.
Molecular consequence: 3 prime UTR variant.
Genome position (GRCh38, 1-based): chr1:119,748,055, C>T on the plus strand (G>A on the coding strand, the complement: HMGCS2 is on the minus strand). VCF-style: chr1-119748055-C-T. GRCh37 (hg19) VCF-style: chr1-120290678-C-T.
Other names: c.*792G>A (NM_001166107.1).
Identifiers: ClinVar variation 875433 (VCV000875433.5), dbSNP rs41313276, ClinGen allele CA30265487.

ClinVar aggregate classification (germline): Benign. Review status: criteria provided, multiple submitters, no conflicts (2 of 4 stars). 2 submissions from 2 submitters: Benign (2). Last evaluated 2017-04-27.

Conditions:
3-hydroxy-3-methylglutaryl-CoA synthase deficiency (HMGCS2D). Also called: MITOCHONDRIAL HMG-CoA SYNTHASE DEFICIENCY; HMG-CoA synthase-2 deficiency; HMGCS2 DEFICIENCY. Identifiers: Orphanet 35701, MedGen C2751532, MONDO:0011614, OMIM 605911.

Allele frequency attached by ClinVar (database versions not stated): TOPMed 0.00356; 1000 Genomes Project 0.00359; 1000 Genomes Project 30x 0.00375.

Submissions (2):

Illumina Laboratory Services, Illumina
Classification: Benign for 3-hydroxy-3-methylglutaryl-CoA synthase deficiency. Last evaluated: 2017-04-27. Review status: criteria provided, single submitter. Criteria: ICSL Variant Classification Criteria 13 December 2019. Collection method: clinical testing. Allele origin: germline.
Comment: This variant was observed as part of a predisposition screen in an ostensibly healthy population. A literature search was performed for the gene, cDNA change, and amino acid change (where applicable). No publications were found based on this search. Allele frequency data from public databases was too high to be consistent with this variant causing disease. Therefore, this variant is classified as benign.

Breakthrough Genomics
Classification: Benign. Review status: criteria provided, single submitter. Criteria: ACMG Guidelines, 2015. Collection method: not provided. Allele origin: germline. Inheritance: Autosomal recessive inheritance. Affected: yes.